The following is an entry in ClinVar:

NM_006445.4(PRPF8):c.984C>T (p.His328=)

Gene: PRPF8 (pre-mRNA processing factor 8; minus strand). Cytogenetic location: 17p13.3.
Variant type: single nucleotide variant.
Coding change: c.984C>T on transcript NM_006445.4 (MANE Select); coding-DNA position 984, C replaced by T.
Protein change: p.His328=; no amino-acid change (histidine 328 retained).
Molecular consequence: synonymous variant.
Genome position (GRCh38, 1-based): chr17:1,680,937, G>A on the plus strand (C>T on the coding strand, the complement: PRPF8 is on the minus strand). VCF-style: chr17-1680937-G-A. GRCh37 (hg19) VCF-style: chr17-1584231-G-A.
Identifiers: ClinVar variation 1428507 (VCV001428507.10), dbSNP rs201432773, ClinGen allele CA8272499.

ClinVar aggregate classification (germline): Likely benign. Review status: criteria provided, multiple submitters, no conflicts (2 of 4 stars). 3 submissions from 3 submitters: Likely benign (3). Last evaluated 2026-09-01.

Allele frequency attached by ClinVar (database versions not stated): gnomAD 0.00002 and 0.00003; ExAC 0.00005; gnomAD exomes 0.00005 and 0.00006; TOPMed 0.00006; ESP Exome Variant Server 0.00008.
gnomAD v4.1: 87 of 1,614,054 alleles (0.0054%); highest among the groups gnomAD compares: Admixed American, 0.012%; no homozygotes.

Submissions (3):

CeGaT Center for Human Genetics Tuebingen
Classification: Likely benign. Last evaluated: 2026-09-01. Review status: criteria provided, single submitter. Criteria: CeGaT Center For Human Genetics Tuebingen Variant Classification Criteria Version 2. Collection method: clinical testing. Allele origin: germline. Affected: yes. Observed: 1 variant allele.
Comment: PRPF8: BP4, BP7

Labcorp Genetics (formerly Invitae), Labcorp
Classification: Likely benign. Last evaluated: 2025-09-22. Review status: criteria provided, single submitter. Criteria: Invitae Variant Classification Sherloc (09022015). Collection method: clinical testing. Allele origin: germline.

Blueprint Genetics
Classification: Likely benign. Last evaluated: 2022-09-23. Review status: criteria provided, single submitter. Criteria: ACMG Guidelines, 2015. Collection method: clinical testing. Allele origin: germline.